The following is an entry in ClinVar:

ClinVar aggregate classification (germline): Likely benign (0 of 4 stars; one submission).

Conditions:
XIRP2-related disorder. Also called: XIRP2-related condition.

Allele frequency attached by ClinVar (database versions not stated): gnomAD 0.00001; TOPMed 0.00002; ESP Exome Variant Server 0.00008.
gnomAD v4.1: 48 of 1,613,688 alleles (0.003%); highest among the groups gnomAD compares: Non-Finnish European, 0.0041%; no homozygotes.

Submission:

PreventionGenetics, part of Exact Sciences
Classification: Likely benign for XIRP2-related condition. Last evaluated: 2019-08-15. Review status: no assertion criteria provided. Collection method: clinical testing. Allele origin: germline.
Comment: This variant is classified as likely benign based on ACMG/AMP sequence variant interpretation guidelines (Richards et al. 2015 PMID: 25741868, with internal and published modifications).

NM_152381.6(XIRP2):c.7932T>C (p.His2644=)

Gene: XIRP2 (xin actin binding repeat containing 2; plus strand). Cytogenetic location: 2q24.3.
Variant type: single nucleotide variant.
Coding change: c.7932T>C on transcript NM_152381.6 (MANE Select); coding-DNA position 7932, T replaced by C.
Protein change: p.His2644=; no amino-acid change (histidine 2644 retained).
Molecular consequence: synonymous variant. On other transcripts: intron variant (3).
Genome position (GRCh38, 1-based): chr2:167,249,324, T>C. VCF-style: chr2-167249324-T-C. GRCh37 (hg19) VCF-style: chr2-168105834-T-C.
Other names: c.7266T>C, p.His2422= (NM_001199144.2); c.1276-4708T>C (NM_001199143.2); c.1177-4708T>C (NM_001079810.4); c.511-4708T>C (NM_001199145.2).
Identifiers: ClinVar variation 3053758 (VCV003053758.2), dbSNP rs367975299, ClinGen allele CA1947724.